The following continues an entry in ClinVar:

NM_000352.6(ABCC8):c.1252T>C (p.Cys418Arg)

Gene: ABCC8. ClinVar aggregate classification (germline): Conflicting classifications of pathogenicity. Uncertain significance (14); Benign (2); Likely benign (2).

Submissions 7 to 21 of 21:

ARUP Laboratories, Molecular Genetics and Genomics, ARUP Laboratories
Classification: Uncertain significance. Last evaluated: 2024-05-15. Review status: criteria provided, single submitter. Criteria: ARUP Molecular Germline Variant Investigation Process 2024. Collection method: clinical testing. Allele origin: germline.
Comment: The ABCC8 c.1252T>C; p.Cys418Arg variant (rs67254669; ClinVar Variation ID: 210067) is reported in the literature in multiple individuals affected with adult onset diabetes, congenital hyperinsulinemia, or hyperglycemia (Aguilar-Bryan and Bryan 1999, Otonkoski 2006, Hoffman 2007, Riveline 2012, Snider 2013, Ozdemir 2018, Tatsi 2020, Ates 2021). However, this variant is found in the non-Finnish European population with an allele frequency of 0.11% (147/129198 alleles) in the Genome Aggregation Database (v2.1.1). Thus, it has also been suggested to be a risk factor for type II diabetes (Mahajan 2018 and Kim 2020); however, this has not been demonstrated conclusively. Computational analyses are uncertain whether this variant is neutral or deleterious (REVEL: 0.657). Thus, due to conflicting and limited information, the clinical significance of this variant is uncertain at this time. References: Aguilar-Bryan L and Bryan J. Molecular biology of adenosine triphosphate-sensitive potassium channels. Endocr Rev. 1999 Apr;20(2):101-35. PMID: 10204114. Ates EA et al. Genetic and Clinical Characterization of Patients with Maturity-Onset of Diabetes of the Young (MODY): Identification of Novel Variations. Balkan Med J. 2021 Sep;38(5):272-277. PMID: 34462253 Hoffman TL et al. Glucose metabolism and insulin secretion in a patient with ABCC8 mutation and Fanconi-Bickel syndrome caused by maternal isodisomy of chromosome 3. Clin Genet. 2007 Jun;71(6):551-7. PMID: 17539904. Kapoor RR et al. Clinical and molecular characterisation of 300 patients with congenital hyperinsulinism. Eur J Endocrinol. 2013 Mar 15;168(4):557-64. PMID: 23345197 Kim HI et al. Characterization of Exome Variants and Their Metabolic Impact in 6,716 American Indians from the Southwest US. Am J Hum Genet. 2020 Aug 6;107(2):251-264. PMID: 32640185 Mahajan A et al. Fine-mapping type 2 diabetes loci to single-variant resolution using high-density imputation and islet-specific epigenome maps. Nat Genet. 2018 Nov;50(11):1505-1513 PMID: 30297969 Otonkoski T et al. Noninvasive diagnosis of focal hyperinsulinism of infancy with [18F]-DOPA positron emission tomography. Diabetes. 2006 Jan;55(1):13-8. PMID: 16380471. Ozdemir TR et al. Targeted next generation sequencing in patients with maturity-onset diabetes of the young (MODY). J Pediatr Endocrinol Metab. 2018 Dec 19;31(12):1295-1304. PMID: 30447144. Riveline JP et al. Clinical and metabolic features of adult-onset diabetes caused by ABCC8 mutations. Diabetes Care. 2012 Feb;35(2):248-51. PMID: 22210575 Snider KE et al. Genotype and phenotype correlations in 417 children with congenital hyperinsulinism. J Clin Endocrinol Metab. 2013 Feb;98(2):E355-63. PMID: 23275527 Tatsi EB et al. Next generation sequencing targeted gene panel in Greek MODY patients increases diagnostic accuracy. Pediatr Diabetes. 2020 Feb;21(1):28-39. PMID: 31604004.

PreventionGenetics, part of Exact Sciences
Classification: Uncertain significance for ABCC8-related condition. Last evaluated: 2023-07-25. Review status: criteria provided, single submitter. Criteria: ACMG Guidelines, 2015. Collection method: clinical testing. Allele origin: germline.
Comment: The ABCC8 c.1252T>C variant is predicted to result in the amino acid substitution p.Cys418Arg. This variant has been reported in both adult-onset diabetes and congenital hyperinsulinism, but its pathogenicity was not fully established (Riveline et al. 2012. PubMed ID: 22210575; Otonkoski et al. 2006. PubMed ID: 16380471; Kapoor et al. 2013. PubMed ID: 23345197). This variant is reported in 0.11% of alleles in individuals of European (Non-Finnish) descent in gnomAD, which may be too common to be a primary cause of disease. Although we suspect that this variant may possibly be benign, at this time the clinical significance of this variant is uncertain due to the absence of conclusive functional and genetic evidence.

Neuberg Centre For Genomic Medicine, NCGM
Classification: Uncertain significance for Diabetes mellitus, transient neonatal, 2. Last evaluated: 2023-02-14. Review status: criteria provided, single submitter. Criteria: ACMG Guidelines, 2015. Collection method: clinical testing. Allele origin: germline. Inheritance: Autosomal dominant inheritance. Affected: yes.
Comment: The missense c.1252T>C (p.Cys418Arg) variant in ABCC8 gene has been reported previously in an individuals affected with ABCC8-related diabetes (Kapoor et al. 2013; Ateş et al. 2021). The p.Cys418Arg variant is reported with an allele frequency of 0.07% in the gnomAD exomes database. This variant has been reported to the ClinVar database as Benign / Likely Benign / Uncertain Significance. The amino acid change p.Cys418Arg in ABCC8 is predicted as conserved by GERP++ and PhyloP across 100 vertebrates. The amino acid Cys at position 418 is changed to a Arg changing protein sequence and it might alter its composition and physico-chemical properties. For these reasons, this variant has been classified as a Variant of Uncertain Significance (VUS).

Department of Pathology and Laboratory Medicine, Sinai Health System
Classification: Uncertain significance for pulmonary arterial hypertension. Last evaluated: 2022-02-03. Review status: criteria provided, single submitter. Criteria: ACMG Guidelines, 2015. Collection method: research. Allele origin: germline.

Institute of Human Genetics, University of Leipzig Medical Center
Classification: Uncertain significance for Type 2 diabetes mellitus. Last evaluated: 2021-10-26. Review status: criteria provided, single submitter. Criteria: ACMG Guidelines, 2015. Collection method: clinical testing. Allele origin: unknown. Inheritance: Autosomal dominant inheritance. Affected: yes.

Pars Genome Lab
Classification: Uncertain significance for Diabetes mellitus, permanent neonatal 3. Last evaluated: 2021-05-18. Review status: criteria provided, single submitter. Criteria: ACMG Guidelines, 2015. Collection method: clinical testing. Allele origin: germline. Affected: no.

Genetic Services Laboratory, University of Chicago
Classification: Likely benign. Last evaluated: 2020-12-23. Review status: criteria provided, single submitter. Criteria: ACMG Guidelines, 2015. Collection method: clinical testing. Allele origin: germline. Affected: no.

Fulgent Genetics
Classification: Uncertain significance for Type 2 diabetes mellitus; Leucine-induced hypoglycemia; Hyperinsulinemic hypoglycemia, familial, 1; Permanent neonatal diabetes mellitus 1; Diabetes mellitus, transient neonatal, 2. Last evaluated: 2018-10-31. Review status: criteria provided, single submitter. Criteria: ACMG Guidelines, 2015. Collection method: clinical testing. Allele origin: unknown.

Baylor Genetics
Classification: Uncertain significance for Type 2 diabetes mellitus. Last evaluated: 2018-10-15. Review status: criteria provided, single submitter. Criteria: ACMG Guidelines, 2015. Collection method: clinical testing. Allele origin: paternal. Affected: yes.
Comment: This variant was determined to be of uncertain significance according to ACMG Guidelines, 2015 [PMID:25741868].

Illumina Laboratory Services, Illumina
Classification: Benign for Diabetes mellitus, transient neonatal, 2. Last evaluated: 2017-04-28. Review status: criteria provided, single submitter. Criteria: ICSL Variant Classification Criteria 13 December 2019. Collection method: clinical testing. Allele origin: germline.
Comment: This variant was observed as part of a predisposition screen in an ostensibly healthy population. A literature search was performed for the gene, cDNA change, and amino acid change (where applicable). No publications were found based on this search. Allele frequency data from public databases was too high to be consistent with this variant causing disease. Therefore, this variant is classified as benign.

Illumina Laboratory Services, Illumina
Classification: Uncertain significance for Hyperinsulinemic hypoglycemia, familial, 1. Last evaluated: 2017-04-28. Review status: criteria provided, single submitter. Criteria: ICSL Variant Classification Criteria 13 December 2019. Collection method: clinical testing. Allele origin: germline.
Comment: This variant was observed as part of a predisposition screen in an ostensibly healthy population. A literature search was performed for the gene, cDNA change, and amino acid change (where applicable). Publications were found based on this search. However, the evidence from the literature, in combination with allele frequency data from public databases where available, was not sufficient to rule this variant in or out of causing disease. Therefore, this variant is classified as a variant of unknown significance.

Illumina Laboratory Services, Illumina
Classification: Benign for Permanent neonatal diabetes mellitus 1. Last evaluated: 2017-04-28. Review status: criteria provided, single submitter. Criteria: ICSL Variant Classification Criteria 13 December 2019. Collection method: clinical testing. Allele origin: germline.
Comment: This variant was observed as part of a predisposition screen in an ostensibly healthy population. A literature search was performed for the gene, cDNA change, and amino acid change (where applicable). Publications were found based on this search. The evidence from the literature, in combination with allele frequency data from public databases where available, was sufficient to rule this variant out of causing disease. Therefore, this variant is classified as benign.

Natera, Inc.
Classification: Uncertain significance for Hereditary hyperinsulinism. Last evaluated: 2020-09-16. Review status: no assertion criteria provided. Collection method: clinical testing. Allele origin: germline. Not counted in ClinVar's aggregate classification.

Counsyl
Classification: Uncertain significance for Hyperinsulinemic hypoglycemia, familial, 1. Last evaluated: 2017-04-17. Review status: no assertion criteria provided. Collection method: clinical testing. Allele origin: unknown. Not counted in ClinVar's aggregate classification.

Seattle Children's Hospital Molecular Genetics Laboratory, Seattle Children's Hospital
Classification: Uncertain significance for Hypoglycemia. Review status: no assertion criteria provided. Collection method: clinical testing. Allele origin: germline. Affected: yes. Not counted in ClinVar's aggregate classification.

Literature cited by the submitters: PubMed 10204114 (cited by Women's Health and Genetics/Laboratory Corporation of America, LabCorp); PubMed 16416420 (cited by Women's Health and Genetics/Laboratory Corporation of America, LabCorp); PubMed 16380471 (cited by 4 submitters); PubMed 17539904 (cited by 3 submitters); PubMed 10685980 (cited by Women's Health and Genetics/Laboratory Corporation of America, LabCorp); PubMed 20849526 (cited by Women's Health and Genetics/Laboratory Corporation of America, LabCorp); PubMed 23275527 (cited by 3 submitters); PubMed 23345197 (cited by 4 submitters); PubMed 30297969 (cited by Women's Health and Genetics/Laboratory Corporation of America, LabCorp and Athena Diagnostics); PubMed 30447144 (cited by 3 submitters); PubMed 22210575 (cited by 5 submitters); PubMed 31604004 (cited by Women's Health and Genetics/Laboratory Corporation of America, LabCorp); PubMed 32041611 (cited by Women's Health and Genetics/Laboratory Corporation of America, LabCorp and Athena Diagnostics); PubMed 32640185 (cited by Women's Health and Genetics/Laboratory Corporation of America, LabCorp and Athena Diagnostics); PubMed 34171966 (cited by Women's Health and Genetics/Laboratory Corporation of America, LabCorp and Athena Diagnostics); PubMed 34462253 (cited by 3 submitters); PubMed 34426522 (cited by Athena Diagnostics); PubMed 33108363 (cited by Athena Diagnostics); PubMed 32027066 (cited by Athena Diagnostics); PubMed 38539105 (cited by Athena Diagnostics).